The following is an entry in ClinVar:

ClinVar aggregate classification (germline): Uncertain significance. Review status: criteria provided, multiple submitters, no conflicts (2 of 4 stars). 2 submissions from 2 submitters: Uncertain significance (2). Last evaluated 2024-07-15.

Conditions:
Pitt-Hopkins-like syndrome 2 (PTHSL2). Identifiers: Orphanet 221150, Orphanet 600663, MedGen C3280479, MONDO:0013690, OMIM 614325.
Inborn genetic diseases. Identifiers: MedGen C0950123, MeSH D030342.

Submissions (2):

Labcorp Genetics (formerly Invitae), Labcorp
Classification: Uncertain significance for Pitt-Hopkins-like syndrome 2. Last evaluated: 2024-07-15. Review status: criteria provided, single submitter. Criteria: Invitae Variant Classification Sherloc (09022015). Collection method: clinical testing. Allele origin: germline.
Comment: This sequence change replaces tryptophan, which is neutral and slightly polar, with leucine, which is neutral and non-polar, at codon 137 of the NRXN1 protein (p.Trp137Leu). This variant is not present in population databases (gnomAD no frequency). This variant has not been reported in the literature in individuals affected with NRXN1-related conditions. ClinVar contains an entry for this variant (Variation ID: 852836). An algorithm developed to predict the effect of missense changes on protein structure and function (PolyPhen-2) suggests that this variant is likely to be tolerated. In summary, the available evidence is currently insufficient to determine the role of this variant in disease. Therefore, it has been classified as a Variant of Uncertain Significance.

Ambry Genetics
Classification: Uncertain significance for Inborn genetic diseases. Last evaluated: 2023-08-02. Review status: criteria provided, single submitter. Criteria: Ambry Variant Classification Scheme 2023. Collection method: clinical testing. Allele origin: germline.

NM_001330078.2(NRXN1):c.410G>T (p.Trp137Leu)

Gene: NRXN1 (neurexin 1; minus strand). Cytogenetic location: 2p16.3.
Variant type: single nucleotide variant.
Coding change: c.410G>T on transcript NM_001330078.2 (MANE Select); coding-DNA position 410, G replaced by T.
Protein change: p.Trp137Leu; replaces tryptophan 137 with leucine.
Molecular consequence: missense variant.
Genome position (GRCh38, 1-based): chr2:51,027,864, C>A on the plus strand (G>T on the coding strand, the complement: NRXN1 is on the minus strand). VCF-style: chr2-51027864-C-A. GRCh37 (hg19) VCF-style: chr2-51255002-C-A.
Other names: c.410G>T, p.Trp137Leu (NM_001135659.3, NM_001330077.2, NM_001330079.2 and 15 more transcripts); short protein forms W137L.
Identifiers: ClinVar variation 852836 (VCV000852836.10), dbSNP rs745894097, ClinGen allele CA346824060.